The following is an entry in ClinVar:

ClinVar aggregate classification (germline): Likely pathogenic (1 of 4 stars; one submission).

Conditions:
Nemaline myopathy 2 (NEM2). Also called: Nemaline myopathy 2, autosomal recessive. Identifiers: MedGen C1850569, MONDO:0009725, OMIM 256030.

Submission:

Labcorp Genetics (formerly Invitae), Labcorp
Classification: Likely pathogenic for Nemaline myopathy 2. Last evaluated: 2018-09-11. Review status: criteria provided, single submitter. Criteria: Invitae Variant Classification Sherloc (09022015). Collection method: clinical testing. Allele origin: germline.
Comment: In summary, the currently available evidence indicates that the variant is pathogenic, but additional data are needed to prove that conclusively. Therefore, this variant has been classified as Likely Pathogenic. Donor and acceptor splice site variants typically lead to a loss of protein function (PMID: 16199547), and loss-of-function variants in NEB are known to be pathogenic (PMID: 25205138). This variant has not been reported in the literature in individuals with NEB-related disease. This variant is not present in population databases (ExAC no frequency). This sequence change affects a donor splice site in intron 121 of the NEB gene. It is expected to disrupt RNA splicing and likely results in an absent or disrupted protein product.

Literature cited by the submitters: PubMed 16199547; PubMed 25205138.

NM_001164508.2(NEB):c.18996+2T>C

Gene: NEB (nebulin; minus strand). Cytogenetic location: 2q23.3.
Variant type: single nucleotide variant.
Coding change: c.18996+2T>C on transcript NM_001164508.2 (MANE Select); the canonical splice donor site of the intron after coding-DNA position 18996, T replaced by C.
Molecular consequence: splice donor variant.
Genome position (GRCh38, 1-based): chr2:151,562,108, A>G on the plus strand (T>C on the coding strand, the complement: NEB is on the minus strand). VCF-style: chr2-151562108-A-G. GRCh37 (hg19) VCF-style: chr2-152418622-A-G.
Other names: c.13893+2T>C (NM_004543.5); c.18996+2T>C (NM_001164507.2, NM_001271208.2).
Identifiers: ClinVar variation 650419 (VCV000650419.7), dbSNP rs1577636079, ClinGen allele CA348796475.